The following is an entry in ClinVar:

NM_001267550.2(TTN):c.80386del (p.Ser26796fs)

Genes: TTN-AS1 (TTN antisense RNA 1; plus strand), TTN (titin; minus strand). Cytogenetic location: 2q31.2.
Variant type: Deletion.
Coding change: c.80386del on transcript NM_001267550.2 (MANE Select); coding-DNA position 80386, one base deleted (A; older notation c.80386delA).
Protein change: p.Ser26796fs; shifts the reading frame from serine 26796.
Molecular consequence: frameshift variant.
Genome position (GRCh38, 1-based): chr2:178,565,746, T deleted on the plus strand (A on the coding strand, the reverse complement: TTN is on the minus strand). VCF-style (leftmost placement, unchanged base first): chr2-178565745-CT-C. GRCh37 (hg19) VCF-style: chr2-179430472-CT-C.
Other names: c.75463del, p.Ser25155fs (NM_001256850.1); c.53191del, p.Ser17731fs (NM_003319.4); c.72682del, p.Ser24228fs (NM_133378.4); c.53566del, p.Ser17856fs (NM_133432.3); c.53767del, p.Ser17923fs (NM_133437.4); short protein forms S17731fs, S17856fs, S17923fs, S24228fs, S25155fs, S26796fs.
Identifiers: ClinVar variation 1065920 (VCV001065920.10), dbSNP rs1651641615, ClinGen allele CA1310529239.

ClinVar aggregate classification (germline): Likely pathogenic. Review status: criteria provided, multiple submitters, no conflicts (2 of 4 stars). 2 submissions from 2 submitters: Likely pathogenic (2). Last evaluated 2023-03-08.

Conditions:
Dilated cardiomyopathy 1G (CMD1G). Identifiers: Orphanet 154, MedGen C1858763, MONDO:0011400, OMIM 604145.
Autosomal recessive limb-girdle muscular dystrophy type 2J (LGMDR10). Also called: Limb-girdle muscular dystrophy, type 2J; MUSCULAR DYSTROPHY, LIMB-GIRDLE, AUTOSOMAL RECESSIVE 10. Identifiers: Orphanet 140922, MedGen C1837342, MONDO:0012127, OMIM 608807.

Allele frequency attached by ClinVar (database versions not stated): TOPMed below 0.00001.

Submissions (2):

Labcorp Genetics (formerly Invitae), Labcorp
Classification: Likely pathogenic for Dilated cardiomyopathy 1G; Autosomal recessive limb-girdle muscular dystrophy type 2J. Last evaluated: 2023-03-08. Review status: criteria provided, single submitter. Criteria: Invitae Variant Classification Sherloc (09022015). Collection method: clinical testing. Allele origin: germline.
Comment: In summary, the currently available evidence indicates that the variant is pathogenic, but additional data are needed to prove that conclusively. Therefore, this variant has been classified as Likely Pathogenic. This sequence change creates a premature translational stop signal (p.Ser26796Valfs*48) in the TTN gene. While this is not anticipated to result in nonsense mediated decay, it is expected to create a truncated TTN protein. This variant is not present in population databases (gnomAD no frequency). This variant has not been reported in the literature in individuals affected with TTN-related conditions. ClinVar contains an entry for this variant (Variation ID: 1065920). This variant is located in the A band of TTN (PMID: 25589632). Truncating variants in this region are significantly overrepresented in patients affected with dilated cardiomyopathy (PMID: 25589632). Truncating variants in this region have also been reported in individuals affected with autosomal recessive centronuclear myopathy (PMID: 23975875).

Revvity Omics, Revvity
Classification: Likely pathogenic. Last evaluated: 2020-10-21. Review status: criteria provided, single submitter. Criteria: ACMG Guidelines, 2015. Collection method: clinical testing. Allele origin: germline.

Literature cited by the submitters: PubMed 25589632 (cited by Labcorp Genetics (formerly Invitae), Labcorp); PubMed 23975875 (cited by Labcorp Genetics (formerly Invitae), Labcorp).